The following is an entry in ClinVar:

ClinVar aggregate classification (germline): Uncertain significance. Review status: criteria provided, multiple submitters, no conflicts (2 of 4 stars). 2 submissions from 2 submitters: Uncertain significance (2). Last evaluated 2022-08-23.

Submissions (2):

Labcorp Genetics (formerly Invitae), Labcorp
Classification: Uncertain significance. Last evaluated: 2022-08-23. Review status: criteria provided, single submitter. Criteria: Invitae Variant Classification Sherloc (09022015). Collection method: clinical testing. Allele origin: germline.
Comment: In summary, the available evidence is currently insufficient to determine the role of this variant in disease. Therefore, it has been classified as a Variant of Uncertain Significance. Experimental studies and prediction algorithms are not available or were not evaluated, and the functional significance of this variant is currently unknown. ClinVar contains an entry for this variant (Variation ID: 1382747). This variant has not been reported in the literature in individuals affected with CFAP410-related conditions. The frequency data for this variant in the population databases is considered unreliable, as metrics indicate poor data quality at this position in the gnomAD database. This sequence change results in a frameshift in the CFAP410 gene (p.Ser241Argfs*80). While this is not anticipated to result in nonsense mediated decay, it is expected to disrupt the last 16 amino acid(s) of the CFAP410 protein and extend the protein by 63 additional amino acid residues.

Blueprint Genetics
Classification: Uncertain significance. Last evaluated: 2018-10-16. Review status: criteria provided, single submitter. Criteria: ACMG Guidelines, 2015. Collection method: clinical testing. Allele origin: germline.

NM_004928.3(CFAP410):c.689_722dup (p.Ser241fs)

Gene: CFAP410 (cilia and flagella associated protein 410; minus strand). Cytogenetic location: 21q22.3.
Variant type: Duplication.
Coding change: c.689_722dup on transcript NM_004928.3 (MANE Select); coding-DNA positions 689 to 722, 34 bases duplicated.
Protein change: p.Ser241fs; shifts the reading frame from serine 241.
Molecular consequence: frameshift variant.
Genome position (GRCh38, 1-based): chr21:44,330,247-44,330,280, 34 bases duplicated; duplicating any 34 consecutive bases within chr21:44,330,247-44,330,284 gives the same sequence; the c. name uses the placement nearest the transcript's 3' end. GRCh37 (hg19): chr21:45,750,134-45,750,167.
Other names: c.686_719dup, p.Ser240fs (NM_001271440.2); c.1046_1079dup, p.Ser360fs (NM_001271441.2); c.563_596dup, p.Ser199fs (NM_001271442.1); short protein forms S199fs, S240fs, S241fs, S360fs.
Identifiers: ClinVar variation 1382747 (VCV001382747.5), dbSNP rs1279339702, ClinGen allele CA638494292.